The following is an entry in ClinVar:

NM_000142.5(FGFR3):c.980A>G (p.His327Arg)

Gene: FGFR3 (fibroblast growth factor receptor 3; plus strand). Cytogenetic location: 4p16.3.
Variant type: single nucleotide variant.
Coding change: c.980A>G on transcript NM_000142.5 (MANE Select); coding-DNA position 980, A replaced by G.
Protein change: p.His327Arg; replaces histidine 327 with arginine.
Molecular consequence: missense variant. On other transcripts: non-coding transcript variant (1), intron variant (2).
Genome position (GRCh38, 1-based): chr4:1,803,741, A>G. VCF-style: chr4-1803741-A-G. GRCh37 (hg19) VCF-style: chr4-1805468-A-G.
Other names: c.980A>G, p.His327Arg (NM_001354809.2, NM_001354810.2); c.1082-589A>G (NM_001163213.2); c.931-1083A>G (NM_022965.4); short protein forms H327R.
Identifiers: ClinVar variation 1680049 (VCV001680049.9), dbSNP rs372315097, ClinGen allele CA2810149.

ClinVar aggregate classification (germline): Uncertain significance. Review status: criteria provided, multiple submitters, no conflicts (2 of 4 stars). 2 submissions from 2 submitters: Uncertain significance (2). Last evaluated 2026-06-23.

Conditions:
FGFR3-related chondrodysplasia. Identifiers: Orphanet 93420, MedGen C5681604, MONDO:0019685.

Allele frequency attached by ClinVar (database versions not stated): ESP Exome Variant Server 0.00008; gnomAD exomes below 0.00001; ExAC 0.00001; gnomAD 0.00001.
gnomAD v4.1: 2 of 1,613,896 alleles (0.00012%); highest among the groups gnomAD compares: Admixed American, 0.0017%; no homozygotes.

Submissions (2):

Genomenon, Inc
Classification: Uncertain significance for FGFR3-related chondrodysplasia. Last evaluated: 2026-06-23. Review status: criteria provided, single submitter. Criteria: Genomenon Sequence Variant Interpretation Standards - Updated. Collection method: curation. Allele origin: germline. Affected: no.
Comment: FGFR3 p.His327Arg (c.980A>G) is a missense variant that changes the amino acid at codon 327 from Histidine to Arginine. This variant has been reported in the published literature (PMID:10574949). It is absent or not present at a significant frequency in gnomAD. In silico models predict that this variant is not damaging. In conclusion, we classify FGFR3 p.His327Arg (c.980A>G) as a variant of uncertain significance.

Labcorp Genetics (formerly Invitae), Labcorp
Classification: Uncertain significance. Last evaluated: 2018-05-11. Review status: criteria provided, single submitter. Criteria: Invitae Variant Classification Sherloc (09022015). Collection method: clinical testing. Allele origin: germline.
Comment: This sequence change replaces histidine with arginine at codon 327 of the FGFR3 protein (p.His327Arg). The histidine residue is weakly conserved and there is a small physicochemical difference between histidine and arginine. This variant is present in population databases (rs372315097, ExAC 0.01%). In summary, the available evidence is currently insufficient to determine the role of this variant in disease. Therefore, it has been classified as a Variant of Uncertain Significance. Algorithms developed to predict the effect of missense changes on protein structure and function output the following: SIFT: "Tolerated"; PolyPhen-2: "Benign"; Align-GVGD: "Class C0". The arginine amino acid residue is found in multiple mammalian species, suggesting that this missense change does not adversely affect protein function. These predictions have not been confirmed by published functional studies and their clinical significance is uncertain. This variant has not been reported in the literature in individuals with FGFR3-related disease.

Literature cited by the submitters: PubMed 10574949 (cited by Genomenon, Inc).